The following is an entry in ClinVar:

ClinVar aggregate classification (germline): Benign (1 of 4 stars; one submission).

Allele frequency attached by ClinVar (database versions not stated): gnomAD 0.00904; ESP Exome Variant Server 0.00961; ExAC 0.01089; 1000 Genomes Project 0.00479; 1000 Genomes Project 30x 0.00500; TOPMed 0.00867.
gnomAD v4.1: 18,518 of 1,614,136 alleles (1.1%); highest among the groups gnomAD compares: Non-Finnish European, 1.4%; 132 homozygotes.

Submission:

CeGaT Center for Human Genetics Tuebingen
Classification: Benign. Last evaluated: 2023-02-01. Review status: criteria provided, single submitter. Criteria: CeGaT Center For Human Genetics Tuebingen Variant Classification Criteria Version 2. Collection method: clinical testing. Allele origin: germline. Affected: yes. Observed: 1 variant allele.
Comment: UGT1A9: BP4, BS1, BS2

NM_021027.3(UGT1A9):c.98T>C (p.Met33Thr)

Genes: UGT1A (UDP glucuronosyltransferase family 1 member A complex locus; plus strand), UGT1A10 (UDP glucuronosyltransferase family 1 member A10; plus strand), UGT1A8 (UDP glucuronosyltransferase family 1 member A8; plus strand), UGT1A9 (UDP glucuronosyltransferase family 1 member A9; plus strand). Cytogenetic location: 2q37.1.
Variant type: single nucleotide variant.
Coding change: c.98T>C on transcript NM_021027.3 (MANE Select); coding-DNA position 98, T replaced by C.
Protein change: p.Met33Thr; replaces methionine 33 with threonine.
Molecular consequence: missense variant. On other transcripts: intron variant (2).
Genome position (GRCh38, 1-based): chr2:233,672,032, T>C. VCF-style: chr2-233672032-T-C. GRCh37 (hg19) VCF-style: chr2-234580678-T-C.
Other names: c.855+53470T>C (NM_019076.5); c.855+34655T>C (NM_019075.4); short protein forms M33T.
Identifiers: ClinVar variation 2652019 (VCV002652019.24), dbSNP rs72551330, ClinGen allele CA2177949.